The following is an entry in ClinVar:

ClinVar aggregate classification (germline): Likely benign. Review status: criteria provided, multiple submitters, no conflicts (2 of 4 stars). 3 submissions from 3 submitters: Likely benign (3). Last evaluated 2025-01-08.

Conditions:
Hereditary nonpolyposis colorectal neoplasms. Identifiers: MedGen C0009405, MeSH D003123.
Lynch syndrome 5 (LYNCH5). Also called: Hereditary non-polyposis colorectal cancer, type 5; Colorectal cancer, hereditary nonpolyposis, type 5. Identifiers: Orphanet 144, MedGen C1833477, MONDO:0013710, OMIM 614350. Disease mechanism: loss of function.

Submissions (3):

Myriad Genetics, Inc.
Classification: Likely benign for Lynch syndrome 5. Last evaluated: 2025-01-08. Review status: criteria provided, single submitter. Criteria: Myriad Autosomal Dominant, Autosomal Recessive and X-Linked Classification Criteria (2023). Collection method: clinical testing. Allele origin: unknown.
Comment: This variant is considered likely benign. This variant is intronic and is not expected to impact mRNA splicing.

Labcorp Genetics (formerly Invitae), Labcorp
Classification: Likely benign for Hereditary nonpolyposis colorectal neoplasms. Last evaluated: 2022-10-19. Review status: criteria provided, single submitter. Criteria: Invitae Variant Classification Sherloc (09022015). Collection method: clinical testing. Allele origin: germline.

GeneDx
Classification: Likely benign. Last evaluated: 2017-10-10. Review status: criteria provided, single submitter. Criteria: GeneDx Variant Classification (06012015). Collection method: clinical testing. Allele origin: germline. Affected: yes.
Comment: This variant is considered likely benign or benign based on one or more of the following criteria: it is a conservative change, it occurs at a poorly conserved position in the protein, it is predicted to be benign by multiple in silico algorithms, and/or has population frequency not consistent with disease.

NM_000179.3(MSH6):c.3802-18A>T

Gene: MSH6 (mutS homolog 6; plus strand). Cytogenetic location: 2p16.3.
Variant type: single nucleotide variant.
Coding change: c.3802-18A>T on transcript NM_000179.3 (MANE Select); 18 bases into the intron before coding-DNA position 3802, A replaced by T.
Molecular consequence: intron variant.
Genome position (GRCh38, 1-based): chr2:47,806,434, A>T. VCF-style: chr2-47806434-A-T. GRCh37 (hg19) VCF-style: chr2-48033573-A-T.
Other names: c.2896-18A>T (NM_001281493.2, NM_001281494.2); c.3412-18A>T (NM_001281492.2).
Identifiers: ClinVar variation 512578 (VCV000512578.10), dbSNP rs1553333276, ClinGen allele CA658795756.
Genomic context (GRCh38, chr2:47,806,434, plus strand): 5'-TTTTTTCCACAAATTCGGTTTTTTGAGAGGGCACTTCTCTTGCTAGCACATGTATCGCTA[A>T]TATTTTTCTTTCTTAAGGCATGCATGGTAGAAAATGAATGTGAAGACCCCAGCCAGGAGA-3'